The following is an entry in ClinVar:

NM_004343.4(CALR):c.329T>C (p.Val110Ala)

Gene: CALR (calreticulin; plus strand). Cytogenetic location: 19p13.13.
Variant type: single nucleotide variant.
Coding change: c.329T>C on transcript NM_004343.4 (MANE Select); coding-DNA position 329, T replaced by C.
Protein change: p.Val110Ala; replaces valine 110 with alanine.
Molecular consequence: missense variant.
Genome position (GRCh38, 1-based): chr19:12,939,563, T>C. VCF-style: chr19-12939563-T-C. GRCh37 (hg19) VCF-style: chr19-13050377-T-C.
Other names: short protein forms V110A.
Identifiers: ClinVar variation 3342043 (VCV003342043.16).

ClinVar aggregate classification (germline): Uncertain significance (1 of 4 stars; one submission).

Submission:

CeGaT Center for Human Genetics Tuebingen
Classification: Uncertain significance. Last evaluated: 2024-08-01. Review status: criteria provided, single submitter. Criteria: CeGaT Center For Human Genetics Tuebingen Variant Classification Criteria Version 2. Collection method: clinical testing. Allele origin: germline. Affected: yes. Observed: 1 variant allele.
Comment: CALR: PM2